The following is an entry in ClinVar:

NM_001130009.3(GEN1):c.1059G>T (p.Leu353Phe)

Gene: GEN1 (GEN1 Holliday junction 5' flap endonuclease; plus strand). Cytogenetic location: 2p24.2.
Variant type: single nucleotide variant.
Coding change: c.1059G>T on transcript NM_001130009.3 (MANE Select); coding-DNA position 1059, G replaced by T.
Protein change: p.Leu353Phe; replaces leucine 353 with phenylalanine.
Molecular consequence: missense variant.
Genome position (GRCh38, 1-based): chr2:17,773,287, G>T. VCF-style: chr2-17773287-G-T. GRCh37 (hg19) VCF-style: chr2-17954554-G-T.
Other names: c.1059G>T, p.Leu353Phe (NM_182625.5); short protein forms L353F.
Identifiers: ClinVar variation 4263024 (VCV004263024.1).
Genomic context (GRCh38, chr2:17,773,287, plus strand): 5'-AGAATTCCTTTTAAACAAGGATAAATTGGTGAAGGTTATCAGGTACCAAAGACCTGATTT[G>T]TTATTGTTTCAGGTATCTGAAAATAAATTCTTCTTTACTGTATGAAGTTATATGCTGGAA-3'
Protein context (NP_001123481.3, residues 343-363): VKVIRYQRPD[Leu353Phe]LLFQRFTLEK

ClinVar aggregate classification (germline): Uncertain significance (1 of 4 stars; one submission).

Submission:

Ambry Genetics
Classification: Uncertain significance. Last evaluated: 2025-07-12. Review status: criteria provided, single submitter. Criteria: Ambry Variant Classification Scheme 2023. Collection method: clinical testing. Allele origin: germline.
Comment: The p.L353F variant (also known as c.1059G>T), located in coding exon 9 of the GEN1 gene, results from a G to T substitution at nucleotide position 1059. The leucine at codon 353 is replaced by phenylalanine, an amino acid with highly similar properties. This amino acid position is conserved. In addition, this alteration is predicted to be tolerated by in silico analysis. Based on the available evidence, the clinical significance of this variant remains unclear.